The following is an entry in ClinVar:

NM_022725.4(FANCF):c.436C>G (p.Leu146Val)

Gene: FANCF (FA complementation group F; minus strand). Cytogenetic location: 11p14.3.
Variant type: single nucleotide variant.
Coding change: c.436C>G on transcript NM_022725.4 (MANE Select); coding-DNA position 436, C replaced by G.
Protein change: p.Leu146Val; replaces leucine 146 with valine.
Molecular consequence: missense variant.
Genome position (GRCh38, 1-based): chr11:22,625,375, G>C on the plus strand (C>G on the coding strand, the complement: FANCF is on the minus strand). VCF-style: chr11-22625375-G-C. GRCh37 (hg19) VCF-style: chr11-22646921-G-C.
Other names: short protein forms L146V.
Identifiers: ClinVar variation 304203 (VCV000304203.11), dbSNP rs779428484, ClinGen allele CA5924331.
Genomic context (GRCh38, chr11:22,625,375, plus strand): 5'-GGGTCTTCATCAGAGAGTCCTCCTGGAGATTTGGGTTCTCTCTATAGCCATTGAAGCGCA[G>C]CATGTGCACCGCAGACCGCCGGCGGGCAAGGCGGGCCAGGCTCTCTTGGAGTGTCTCCTC-3'
Protein context (NP_073562.1, residues 136-156): LARRRSAVHM[Leu146Val]RFNGYRENPN

ClinVar aggregate classification (germline): Uncertain significance. Review status: criteria provided, multiple submitters, no conflicts (2 of 4 stars). 3 submissions from 3 submitters: Uncertain significance (3). Last evaluated 2023-12-08.

Conditions:
Fanconi anemia (FA). Also called: Fanconi's anemia. Identifiers: Orphanet 84, MedGen C0015625, MeSH D005199, MONDO:0019391.
Fanconi anemia complementation group F. Also called: FANCF-Related Fanconi Anemia. Identifiers: Orphanet 84, MedGen C3469526, MONDO:0011325, OMIM 603467.

Allele frequency attached by ClinVar (database versions not stated): gnomAD exomes 0.00001; ExAC 0.00002.
gnomAD v4.1: 11 of 1,614,216 alleles (0.00068%); highest among the groups gnomAD compares: South Asian, 0.012%; 1 homozygote.

Submissions (3):

Women's Health and Genetics/Laboratory Corporation of America, LabCorp
Classification: Uncertain significance. Last evaluated: 2023-12-08. Review status: criteria provided, single submitter. Criteria: LabCorp Variant Classification Summary - May 2015. Collection method: clinical testing. Allele origin: germline.
Comment: Variant summary: FANCF c.436C>G (p.Leu146Val) results in a conservative amino acid change in the encoded protein sequence. Three of five in-silico tools predict a damaging effect of the variant on protein function. The variant allele was found at a frequency of 7.5e-06 in 1461864 control chromosomes in the gnomAD database (v4), including 1 homozygote. This frequency is not significantly higher than estimated for a pathogenic variant in FANCF causing Fanconi Anemia (7.5e-06 vs 0.0004), allowing no conclusion about variant significance. c.436C>G has been reported in the literature in one individual affected with head and neck squamous cell carcinoma (Chandrasekharappa_2017). The report does not provide unequivocal conclusions about association of the variant with Fanconi Anemia. To our knowledge, no experimental evidence demonstrating an impact on protein function has been reported. The following publication have been ascertained in the context of this evaluation (PMID: 28678401). Two submitters have cited clinical-significance assessments for this variant to ClinVar after 2014. All submitters classified the variant as uncertain significance. Based on the evidence outlined above, the variant was classified as uncertain significance.

Labcorp Genetics (formerly Invitae), Labcorp
Classification: Uncertain significance for Fanconi anemia. Last evaluated: 2022-11-22. Review status: criteria provided, single submitter. Criteria: Invitae Variant Classification Sherloc (09022015). Collection method: clinical testing. Allele origin: germline.
Comment: In summary, the available evidence is currently insufficient to determine the role of this variant in disease. Therefore, it has been classified as a Variant of Uncertain Significance. Advanced modeling of protein sequence and biophysical properties (such as structural, functional, and spatial information, amino acid conservation, physicochemical variation, residue mobility, and thermodynamic stability) performed at Invitae indicates that this missense variant is expected to disrupt FANCF protein function. ClinVar contains an entry for this variant (Variation ID: 304203). This missense change has been observed in individual(s) with head and neck squamous cell carcinoma (PMID: 28678401). This variant is present in population databases (rs779428484, gnomAD 0.006%). This sequence change replaces leucine, which is neutral and non-polar, with valine, which is neutral and non-polar, at codon 146 of the FANCF protein (p.Leu146Val).

Illumina Laboratory Services, Illumina
Classification: Uncertain significance for Fanconi anemia complementation group F. Last evaluated: 2018-01-12. Review status: criteria provided, single submitter. Criteria: ICSL Variant Classification Criteria 13 December 2019. Collection method: clinical testing. Allele origin: germline.

Literature cited by the submitters: PubMed 28678401 (cited by Women's Health and Genetics/Laboratory Corporation of America, LabCorp and Labcorp Genetics (formerly Invitae), Labcorp).